The following is an entry in ClinVar:

ClinVar aggregate classification (germline): Uncertain significance (1 of 4 stars; one submission).

gnomAD v4.1: 2 of 1,607,942 alleles (0.00012%); highest among the groups gnomAD compares: Non-Finnish European, 0.00017%; no homozygotes.

Submission:

Mayo Clinic Laboratories, Mayo Clinic
Classification: Uncertain significance. Last evaluated: 2025-05-30. Review status: criteria provided, single submitter. Criteria: ACMG Guidelines, 2015. Collection method: clinical testing. Allele origin: germline. Observed: 1 variant allele.
Comment: BP4_moderate, PM2_supporting

NM_001994.3(F13B):c.5G>A (p.Arg2Lys)

Gene: F13B (coagulation factor XIII B chain; minus strand). Cytogenetic location: 1q31.3.
Variant type: single nucleotide variant.
Coding change: c.5G>A on transcript NM_001994.3 (MANE Select); coding-DNA position 5, G replaced by A.
Protein change: p.Arg2Lys; replaces arginine 2 with lysine.
Molecular consequence: missense variant.
Genome position (GRCh38, 1-based): chr1:197,067,219, C>T on the plus strand (G>A on the coding strand, the complement: F13B is on the minus strand). VCF-style: chr1-197067219-C-T. GRCh37 (hg19) VCF-style: chr1-197036349-C-T.
Other names: p.Arg2Lys; short protein forms R2K.
Identifiers: ClinVar variation 4542136 (VCV004542136.1).
Genomic context (GRCh38, chr1:197,067,219, plus strand): 5'-CCTTCTGCATAGAGTTCTCCTGAGATTATCAATATGATGATAAAAGTCAGGTTTTTCAAC[C>T]TCATCTTCAGTGGTGTGCTTCACAAAGATTTTAACAATTCTAAGCACTAGGAACTTGTCA-3'
Protein context (NP_001985.2, residues 1-12): M[Arg2Lys]LKNLTFIIIL